The following is an entry in ClinVar:

NM_001145308.5(LRTOMT):c.196_200dup (p.Ser68fs)

Genes: LRTOMT (leucine rich transmembrane and O-methyltransferase domain containing; plus strand), TOMT (transmembrane O-methyltransferase; plus strand). Cytogenetic location: 11q13.4.
Variant type: Duplication.
Coding change: c.196_200dup on transcript NM_001145308.5; coding-DNA positions 196 to 200, 5 bases duplicated (CTGCG; older notation c.196_200dupCTGCG).
Protein change: p.Ser68fs; shifts the reading frame from serine 68.
Molecular consequence: frameshift variant. On other transcripts: intron variant (1).
Genome position (GRCh38, 1-based): chr11:72,106,048-72,106,052, CTGCG duplicated; duplicating any 5 consecutive bases within chr11:72,106,047-72,106,052 gives the same sequence; the c. name uses the placement nearest the transcript's 3' end. VCF-style (leftmost placement, unchanged base first): chr11-72106046-T-TGCTGC. GRCh37 (hg19) VCF-style: chr11-71817092-T-TGCTGC.
Other names: c.97_101dup, p.Ser35fs (NM_001393500.2); c.196_200dup, p.Ser68fs (NM_001145309.4); c.84-8_84-4dup (NM_001145310.4); short protein forms S35fs, S68fs.
Identifiers: ClinVar variation 4851803 (VCV004851803.1).

ClinVar aggregate classification (germline): Likely pathogenic (1 of 4 stars; one submission).

Submission:

Dasa
Classification: Likely pathogenic. Last evaluated: 2026-04-09. Review status: criteria provided, single submitter. Criteria: DASA Assertion Criteria. Collection method: clinical testing. Allele origin: germline.
Comment: NM_001145308.5(LRTOMT):c.196_200dup (p.Ser68Cysfs*47) introduces a premature termination codon predicted to result in loss of normal protein function. Loss-of-function is an established mechanism of disease for this gene. The variant is present at low frequency in population datasets. Based on the available data, this variant is classified as likely pathogenic.